The following is an entry in ClinVar:

NM_004444.5(EPHB4):c.1709G>A (p.Arg570Lys)

Gene: EPHB4 (EPH receptor B4; minus strand). Cytogenetic location: 7q22.1.
Variant type: single nucleotide variant.
Coding change: c.1709G>A on transcript NM_004444.5 (MANE Select); coding-DNA position 1709, G replaced by A.
Protein change: p.Arg570Lys; replaces arginine 570 with lysine.
Molecular consequence: missense variant.
Genome position (GRCh38, 1-based): chr7:100,813,699, C>T on the plus strand (G>A on the coding strand, the complement: EPHB4 is on the minus strand). VCF-style: chr7-100813699-C-T. GRCh37 (hg19) VCF-style: chr7-100411321-C-T.
Other names: short protein forms R570K.
Identifiers: ClinVar variation 2824537 (VCV002824537.3), dbSNP rs1414790699, ClinGen allele CA368571499.

ClinVar aggregate classification (germline): Uncertain significance (1 of 4 stars; one submission).

Allele frequency attached by ClinVar (database versions not stated): TOPMed below 0.00001.
gnomAD v4.1: 2 of 1,614,210 alleles (0.00012%); highest among the groups gnomAD compares: African/African-American, 0.0027%; no homozygotes.

Submission:

Labcorp Genetics (formerly Invitae), Labcorp
Classification: Uncertain significance. Last evaluated: 2023-03-20. Review status: criteria provided, single submitter. Criteria: Invitae Variant Classification Sherloc (09022015). Collection method: clinical testing. Allele origin: germline.
Comment: In summary, the available evidence is currently insufficient to determine the role of this variant in disease. Therefore, it has been classified as a Variant of Uncertain Significance. Advanced modeling of protein sequence and biophysical properties (such as structural, functional, and spatial information, amino acid conservation, physicochemical variation, residue mobility, and thermodynamic stability) performed at Invitae indicates that this missense variant is not expected to disrupt EPHB4 protein function. This variant has not been reported in the literature in individuals affected with EPHB4-related conditions. This variant is present in population databases (no rsID available, gnomAD 0.007%). This sequence change replaces arginine, which is basic and polar, with lysine, which is basic and polar, at codon 570 of the EPHB4 protein (p.Arg570Lys).